The following is an entry in ClinVar:

ClinVar aggregate classification (germline): Uncertain significance (1 of 4 stars; one submission).

Submission:

CeGaT Center for Human Genetics Tuebingen
Classification: Uncertain significance. Last evaluated: 2025-11-01. Review status: criteria provided, single submitter. Criteria: CeGaT Center For Human Genetics Tuebingen Variant Classification Criteria Version 2. Collection method: clinical testing. Allele origin: germline. Affected: yes. Observed: 1 variant allele.
Comment: FYB1: PM2

NM_001465.6(FYB1):c.1877A>T (p.Asp626Val)

Gene: FYB1 (FYN binding protein 1; minus strand). Cytogenetic location: 5p13.1.
Variant type: single nucleotide variant.
Coding change: c.1877A>T on transcript NM_001465.6 (MANE Select); coding-DNA position 1877, A replaced by T.
Protein change: p.Asp626Val; replaces aspartic acid 626 with valine.
Molecular consequence: missense variant.
Genome position (GRCh38, 1-based): chr5:39,127,771, T>A on the plus strand (A>T on the coding strand, the complement: FYB1 is on the minus strand). VCF-style: chr5-39127771-T-A. GRCh37 (hg19) VCF-style: chr5-39127873-T-A.
Other names: c.1907A>T, p.Asp636Val (NM_001243093.2, NM_018594.2); c.1877A>T, p.Asp626Val (NM_001349333.2, NM_199335.5); short protein forms D626V, D636V.
Identifiers: ClinVar variation 4535133 (VCV004535133.6).